The following is an entry in ClinVar:

ClinVar aggregate classification (germline): Uncertain significance (1 of 4 stars; one submission).

Allele frequency attached by ClinVar (database versions not stated): gnomAD exomes below 0.00001; ExAC 0.00001.
gnomAD v4.1: 3 of 1,614,166 alleles (0.00019%); highest among the groups gnomAD compares: Non-Finnish European, 0.00025%; no homozygotes.

Submission:

Ambry Genetics
Classification: Uncertain significance. Last evaluated: 2022-10-12. Review status: criteria provided, single submitter. Criteria: Ambry Variant Classification Scheme 2023. Collection method: clinical testing. Allele origin: germline.
Comment: The p.A597T variant (also known as c.1789G>A), located in coding exon 9 of the PALLD gene, results from a G to A substitution at nucleotide position 1789. The alanine at codon 597 is replaced by threonine, an amino acid with similar properties. This amino acid position is conserved. In addition, this alteration is predicted to be tolerated by in silico analysis. Since supporting evidence is limited at this time, the clinical significance of this alteration remains unclear.

NM_001166108.2(PALLD):c.1789G>A (p.Ala597Thr)

Gene: PALLD (palladin, cytoskeletal associated protein; plus strand). Cytogenetic location: 4q32.3.
Variant type: single nucleotide variant.
Coding change: c.1789G>A on transcript NM_001166108.2 (MANE Select); coding-DNA position 1789, G replaced by A.
Protein change: p.Ala597Thr; replaces alanine 597 with threonine.
Molecular consequence: missense variant.
Genome position (GRCh38, 1-based): chr4:168,711,748, G>A. VCF-style: chr4-168711748-G-A. GRCh37 (hg19) VCF-style: chr4-169632899-G-A.
Other names: c.643G>A, p.Ala215Thr (NM_001166109.2); c.1789G>A, p.Ala597Thr (NM_016081.4); short protein forms A597T, A215T.
Identifiers: ClinVar variation 1780151 (VCV001780151.2), dbSNP rs776410798, ClinGen allele CA3135727.
Genomic context (GRCh38, chr4:168,711,748, plus strand): 5'-GCTTCAAAGAAACCATCTGAGATCCAGCAGGTGAACAACCCTGAGTTAGGCCTGAGCAGG[G>A]CAGCCCTTCAAATGCAATTCAATGCTGCTGAGAGGGAAACGAACGGAGTCCATCCCAGCC-3'
Protein context (NP_001159580.1, residues 587-607): VNNPELGLSR[Ala597Thr]ALQMQFNAAE